The following is an entry in ClinVar:

ClinVar aggregate classification (germline): Uncertain significance. Review status: criteria provided, multiple submitters, no conflicts (2 of 4 stars). 2 submissions from 2 submitters: Uncertain significance (2). Last evaluated 2024-08-14.

Conditions:
Cardiovascular phenotype. Identifiers: MedGen CN230736.
Brugada syndrome 7 (BRGDA7). Identifiers: Orphanet 130, MedGen C2751088, MONDO:0013146, OMIM 613120.

Allele frequency attached by ClinVar (database versions not stated): TOPMed below 0.00001; ExAC 0.00001.
gnomAD v4.1: 2 of 1,614,034 alleles (0.00012%); highest among the groups gnomAD compares: Non-Finnish European, 0.00017%; no homozygotes.

Submissions (2):

Labcorp Genetics (formerly Invitae), Labcorp
Classification: Uncertain significance for Brugada syndrome 7. Last evaluated: 2024-08-14. Review status: criteria provided, single submitter. Criteria: Invitae Variant Classification Sherloc (09022015). Collection method: clinical testing. Allele origin: germline.
Comment: This sequence change replaces arginine, which is basic and polar, with cysteine, which is neutral and slightly polar, at codon 44 of the SCN3B protein (p.Arg44Cys). This variant is present in population databases (rs765104250, gnomAD 0.002%). This variant has not been reported in the literature in individuals affected with SCN3B-related conditions. ClinVar contains an entry for this variant (Variation ID: 2625610). An algorithm developed to predict the effect of missense changes on protein structure and function (PolyPhen-2) suggests that this variant is likely to be disruptive. In summary, the available evidence is currently insufficient to determine the role of this variant in disease. Therefore, it has been classified as a Variant of Uncertain Significance.

Ambry Genetics
Classification: Uncertain significance for Cardiovascular phenotype. Last evaluated: 2023-06-17. Review status: criteria provided, single submitter. Criteria: Ambry Variant Classification Scheme 2023. Collection method: clinical testing. Allele origin: germline.
Comment: The p.R44C variant (also known as c.130C>T), located in coding exon 2 of the SCN3B gene, results from a C to T substitution at nucleotide position 130. The arginine at codon 44 is replaced by cysteine, an amino acid with highly dissimilar properties. This amino acid position is conserved. In addition, this alteration is predicted to be tolerated by in silico analysis. Since supporting evidence is limited at this time, the clinical significance of this alteration remains unclear.

NM_001040151.2(SCN3B):c.130C>T (p.Arg44Cys)

Gene: SCN3B (sodium voltage-gated channel beta subunit 3; minus strand). Cytogenetic location: 11q24.1.
Variant type: single nucleotide variant.
Coding change: c.130C>T on transcript NM_001040151.2 (MANE Select); coding-DNA position 130, C replaced by T.
Protein change: p.Arg44Cys; replaces arginine 44 with cysteine.
Molecular consequence: missense variant.
Genome position (GRCh38, 1-based): chr11:123,645,676, G>A on the plus strand (C>T on the coding strand, the complement: SCN3B is on the minus strand). VCF-style: chr11-123645676-G-A. GRCh37 (hg19) VCF-style: chr11-123516384-G-A.
Other names: c.130C>T, p.Arg44Cys (NM_018400.4); short protein forms R44C.
Identifiers: ClinVar variation 2625610 (VCV002625610.4), dbSNP rs765104250, ClinGen allele CA6334078.